The following is an entry in ClinVar:

ClinVar aggregate classification (germline): Uncertain significance (1 of 4 stars; one submission).

Conditions:
Saldino-Mainzer syndrome (SRTD9). Also called: SHORT-RIB THORACIC DYSPLASIA 9 WITHOUT POLYDACTYLY; Renal dysplasia, retinal pigmentary dystrophy, cerebellar ataxia and skeletal dysplasia; CONORENAL SYNDROME; short-rib thoracic dysplasia 9 with or without polydactyly. Identifiers: Orphanet 140969, MedGen C1849437, MONDO:0009964, OMIM 266920.

Allele frequency attached by ClinVar (database versions not stated): gnomAD 0.00002; TOPMed 0.00002; ExAC 0.00004.
gnomAD v4.1: 57 of 1,608,506 alleles (0.0035%); highest among the groups gnomAD compares: Non-Finnish European, 0.0047%; no homozygotes.

Submission:

Labcorp Genetics (formerly Invitae), Labcorp
Classification: Uncertain significance for Saldino-Mainzer syndrome. Last evaluated: 2025-05-24. Review status: criteria provided, single submitter. Criteria: Invitae Variant Classification Sherloc (09022015). Collection method: clinical testing. Allele origin: germline.
Comment: This sequence change replaces isoleucine, which is neutral and non-polar, with threonine, which is neutral and polar, at codon 1195 of the IFT140 protein (p.Ile1195Thr). This variant is present in population databases (rs753550166, gnomAD 0.005%). This variant has not been reported in the literature in individuals affected with IFT140-related conditions. ClinVar contains an entry for this variant (Variation ID: 465319). Invitae Evidence Modeling of protein sequence and biophysical properties (such as structural, functional, and spatial information, amino acid conservation, physicochemical variation, residue mobility, and thermodynamic stability) has been performed for this missense variant. However, the output from this modeling did not meet the statistical confidence thresholds required to predict the impact of this variant on IFT140 protein function. In summary, the available evidence is currently insufficient to determine the role of this variant in disease. Therefore, it has been classified as a Variant of Uncertain Significance.

NM_014714.4(IFT140):c.3584T>C (p.Ile1195Thr)

Gene: IFT140 (intraflagellar transport 140; minus strand). Cytogenetic location: 16p13.3.
Variant type: single nucleotide variant.
Coding change: c.3584T>C on transcript NM_014714.4 (MANE Select); coding-DNA position 3584, T replaced by C.
Protein change: p.Ile1195Thr; replaces isoleucine 1195 with threonine.
Molecular consequence: missense variant.
Genome position (GRCh38, 1-based): chr16:1,520,678, A>G on the plus strand (T>C on the coding strand, the complement: IFT140 is on the minus strand). VCF-style: chr16-1520678-A-G. GRCh37 (hg19) VCF-style: chr16-1570679-A-G.
Other names: short protein forms I1195T.
Identifiers: ClinVar variation 465319 (VCV000465319.7), dbSNP rs753550166, ClinGen allele CA7813107.